The following is an entry in ClinVar:

ClinVar aggregate classification (germline): Uncertain significance. Review status: criteria provided, multiple submitters, no conflicts (2 of 4 stars). 2 submissions from 2 submitters: Uncertain significance (2). Last evaluated 2023-10-03.

Allele frequency attached by ClinVar (database versions not stated): TOPMed 0.00002; gnomAD 0.00004 and 0.00005; ExAC 0.00008; ESP Exome Variant Server 0.00008; gnomAD exomes 0.00009.
gnomAD v4.1: 107 of 1,614,068 alleles (0.0066%); highest among the groups gnomAD compares: Middle Eastern, 0.12%; 1 homozygote.

Submissions (2):

Labcorp Genetics (formerly Invitae), Labcorp
Classification: Uncertain significance. Last evaluated: 2023-10-03. Review status: criteria provided, single submitter. Criteria: Invitae Variant Classification Sherloc (09022015). Collection method: clinical testing. Allele origin: germline.
Comment: This sequence change replaces valine with methionine at codon 221 of the WNT9B protein (p.Val221Met). The valine residue is highly conserved and there is a small physicochemical difference between valine and methionine. This variant is present in population databases (rs372115656, gnomAD 0.03%). This variant has not been reported in the literature in individuals affected with WNT9B-related conditions. ClinVar contains an entry for this variant (Variation ID: 1378190). An algorithm developed to predict the effect of missense changes on protein structure and function (PolyPhen-2) suggests that this variant is likely to be disruptive. In summary, the available evidence is currently insufficient to determine the role of this variant in disease. Therefore, it has been classified as a Variant of Uncertain Significance.

Breakthrough Genomics
Classification: Uncertain significance. Review status: criteria provided, single submitter. Criteria: ACMG Guidelines, 2015. Collection method: not provided. Allele origin: germline. Inheritance: Unknown mechanism. Affected: yes.

NM_003396.3(WNT9B):c.661G>A (p.Val221Met)

Genes: LRRC37A2 (leucine rich repeat containing 37 member A2), WNT9B (Wnt family member 9B; plus strand). Cytogenetic location: 17q21.32.
Variant type: single nucleotide variant.
Coding change: c.661G>A on transcript NM_003396.3 (MANE Select); coding-DNA position 661, G replaced by A.
Protein change: p.Val221Met; replaces valine 221 with methionine.
Molecular consequence: missense variant.
Genome position (GRCh38, 1-based): chr17:46,876,305, G>A. VCF-style: chr17-46876305-G-A. GRCh37 (hg19) VCF-style: chr17-44953671-G-A.
Other names: c.661G>A, p.Val221Met (NM_001320458.2); short protein forms V221M.
Identifiers: ClinVar variation 1378190 (VCV001378190.7), dbSNP rs372115656, ClinGen allele CA8620975.